The following is an entry in ClinVar:

NM_018180.3(DHX32):c.694G>A (p.Val232Met)

Gene: DHX32 (DEAH-box helicase 32 (putative); minus strand). Cytogenetic location: 10q26.2.
Variant type: single nucleotide variant.
Coding change: c.694G>A on transcript NM_018180.3 (MANE Select); coding-DNA position 694, G replaced by A.
Protein change: p.Val232Met; replaces valine 232 with methionine.
Molecular consequence: missense variant.
Genome position (GRCh38, 1-based): chr10:125,859,758, C>T on the plus strand (G>A on the coding strand, the complement: DHX32 is on the minus strand). VCF-style: chr10-125859758-C-T. GRCh37 (hg19) VCF-style: chr10-127548327-C-T.
Other names: c.694G>A (NM_018180.2); short protein forms V232M.
Identifiers: ClinVar variation 1467797 (VCV001467797.8), dbSNP rs368692405, ClinGen allele CA5739401.

ClinVar aggregate classification (germline): Uncertain significance. Review status: criteria provided, multiple submitters, no conflicts (2 of 4 stars). 2 submissions from 2 submitters: Uncertain significance (2). Last evaluated 2026-01-20.

Allele frequency attached by ClinVar (database versions not stated): ESP Exome Variant Server 0.00008; gnomAD 0.00012; TOPMed 0.00013; gnomAD exomes 0.00017 and 0.00026; ExAC 0.00028.
gnomAD v4.1: 284 of 1,613,902 alleles (0.018%); highest among the groups gnomAD compares: Middle Eastern, 0.16%; 1 homozygote.

Submissions (2):

Labcorp Genetics (formerly Invitae), Labcorp
Classification: Uncertain significance. Last evaluated: 2026-01-20. Review status: criteria provided, single submitter. Criteria: Invitae Variant Classification Sherloc (09022015). Collection method: clinical testing. Allele origin: germline.
Comment: This sequence change replaces valine, which is neutral and non-polar, with methionine, which is neutral and non-polar, at codon 232 of the DHX32 protein (p.Val232Met). This variant is present in population databases (rs368692405, gnomAD 0.1%), and has an allele count higher than expected for a pathogenic variant. This variant has not been reported in the literature in individuals affected with DHX32-related conditions. ClinVar contains an entry for this variant (Variation ID: 1467797). An algorithm developed to predict the effect of missense changes on protein structure and function (PolyPhen-2) suggests that this variant is likely to be tolerated. In summary, the available evidence is currently insufficient to determine the role of this variant in disease. Therefore, it has been classified as a Variant of Uncertain Significance.

Ambry Genetics
Classification: Uncertain significance. Last evaluated: 2024-06-04. Review status: criteria provided, single submitter. Criteria: Ambry Variant Classification Scheme 2023. Collection method: clinical testing. Allele origin: germline.